The following is an entry in ClinVar:

ClinVar aggregate classification (germline): Uncertain significance (1 of 4 stars; one submission).

Submission:

GeneDx
Classification: Uncertain significance. Last evaluated: 2019-11-14. Review status: criteria provided, single submitter. Criteria: GeneDx Variant Classification Process June 2021. Collection method: clinical testing. Allele origin: germline. Affected: yes.
Comment: Not observed in large population cohorts (Lek et al., 2016); In silico analysis, which includes protein predictors and evolutionary conservation, supports a deleterious effect; Has not been previously published as pathogenic or benign to our knowledge

NM_005670.4(EPM2A):c.488A>C (p.Asn163Thr)

Gene: EPM2A (EPM2A glucan phosphatase, laforin; minus strand). Cytogenetic location: 6q24.3.
Variant type: single nucleotide variant.
Coding change: c.488A>C on transcript NM_005670.4 (MANE Select); coding-DNA position 488, A replaced by C.
Protein change: p.Asn163Thr; replaces asparagine 163 with threonine.
Molecular consequence: missense variant. On other transcripts: intron variant (1).
Genome position (GRCh38, 1-based): chr6:145,635,475, T>G on the plus strand (A>C on the coding strand, the complement: EPM2A is on the minus strand). VCF-style: chr6-145635475-T-G. GRCh37 (hg19) VCF-style: chr6-145956611-T-G.
Other names: c.488A>C, p.Asn163Thr (NM_001018041.2, NM_001368130.1); c.74A>C, p.Asn25Thr (NM_001360064.2, NM_001360071.2, NM_001368131.1); c.26A>C, p.Asn9Thr (NM_001368129.2, NM_001368132.1); c.477-7782A>C (NM_001360057.2); short protein forms N163T, N25T, N9T.
Identifiers: ClinVar variation 1310165 (VCV001310165.2), dbSNP rs141919651, ClinGen allele CA366191580.
Genomic context (GRCh38, chr6:145,635,475, plus strand): 5'-TCATGCTTCAGTTTGATGGTTACATGTTCCACCTGACGAGGGCAGCTACCCAGCCAGATA[T>G]TTGGTAGAATTCTAATGAGAACATATGGAGACAACTATCACTAGTGTTGTTCTGATTTGA-3'
Protein context (NP_005661.1, residues 153-173): QAMHYSRILP[Asn163Thr]IWLGSCPRQV